The following is an entry in ClinVar:

NM_001356.5(DDX3X):c.1144A>C (p.Ser382Arg)

Gene: DDX3X (DEAD-box helicase 3 X-linked; plus strand). Cytogenetic location: Xp11.4.
Variant type: single nucleotide variant.
Coding change: c.1144A>C on transcript NM_001356.5 (MANE Select); coding-DNA position 1144, A replaced by C.
Protein change: p.Ser382Arg; replaces serine 382 with arginine.
Molecular consequence: missense variant. On other transcripts: non-coding transcript variant (1).
Genome position (GRCh38, 1-based): chrX:41,345,298, A>C. VCF-style: chrX-41345298-A-C. GRCh37 (hg19) VCF-style: chrX-41204551-A-C.
Other names: c.1144A>C, p.Ser382Arg (NM_001193416.3); c.1096A>C, p.Ser366Arg (NM_001193417.3); c.586A>C, p.Ser196Arg (NM_001363819.1); short protein forms S382R, S196R, S366R.
Identifiers: ClinVar variation 419725 (VCV000419725.2), dbSNP rs1064794068, ClinGen allele CA16621385.

ClinVar aggregate classification (germline): Pathogenic (1 of 4 stars; one submission).

Submission:

GeneDx
Classification: Pathogenic. Last evaluated: 2015-09-07. Review status: criteria provided, single submitter. Criteria: GeneDx Variant Classification (06012015). Collection method: clinical testing. Allele origin: germline. Affected: yes.
Comment: The S382R substitution in the DDX3X gene has not been reported previously as a pathogenic variantnor as a benign polymorphism, to our knowledge. The S382R variant was not observed in approximately 6400 individuals of European and African American ancestry in the NHLBI Exome Sequencing Project, indicating it is not a common benign variant in these populations. The S382R variant is a semi-conservative amino acid substitution, which may impact secondary protein structure as these residues differ in some properties. This substitution occurs within the helicase ATP-binding domain at a position that is conserved across species. In silico analysis predicts this variant is probably damaging to the protein structure/function. Missense variants in nearby residues (R376C, L392P) have been reported in association with DDX3X-related clinical features (Snijders Blok et al., 2015), supporting the functional importance of this region of the protein. We interpret S382R as a pathogenic variant.